The following is an entry in ClinVar:

NM_001848.3(COL6A1):c.1611C>T (p.Asn537=)

Gene: COL6A1 (collagen type VI alpha 1 chain; plus strand). Cytogenetic location: 21q22.3.
Variant type: single nucleotide variant.
Coding change: c.1611C>T on transcript NM_001848.3 (MANE Select); coding-DNA position 1611, C replaced by T.
Protein change: p.Asn537=; no amino-acid change (asparagine 537 retained).
Molecular consequence: synonymous variant.
Genome position (GRCh38, 1-based): chr21:45,998,433, C>T. VCF-style: chr21-45998433-C-T. GRCh37 (hg19) VCF-style: chr21-47418347-C-T.
Identifiers: ClinVar variation 166929 (VCV000166929.60), dbSNP rs200023632, ClinGen allele CA233807.

ClinVar aggregate classification (germline): Benign/Likely benign. Review status: criteria provided, multiple submitters, no conflicts (2 of 4 stars). 4 submissions from 4 submitters: Benign (1); Likely benign (3). Last evaluated 2025-12-29.

Conditions:
Bethlem myopathy 1A. Also called: MYOPATHY, BENIGN CONGENITAL, WITH CONTRACTURES; Bethlem myopathy 1; Bethlem Muscular Dystrophy. Identifiers: Orphanet 610, MedGen CN029274, MONDO:0024530, OMIM 158810.
Collagen 6-related myopathy. Identifiers: MedGen CN117976, MONDO:0100225.

Allele frequency attached by ClinVar (database versions not stated): ESP Exome Variant Server 0.00008; TOPMed 0.00014; gnomAD 0.00019; ExAC 0.00027; gnomAD exomes 0.00034.
gnomAD v4.1: 247 of 1,613,156 alleles (0.015%); highest among the groups gnomAD compares: Non-Finnish European, 0.0036%; no homozygotes.

Submissions (4):

Labcorp Genetics (formerly Invitae), Labcorp
Classification: Likely benign for Bethlem myopathy 1A. Last evaluated: 2025-12-29. Review status: criteria provided, single submitter. Criteria: Invitae Variant Classification Sherloc (09022015). Collection method: clinical testing. Allele origin: germline.

CeGaT Center for Human Genetics Tuebingen
Classification: Likely benign. Last evaluated: 2023-04-01. Review status: criteria provided, single submitter. Criteria: CeGaT Center For Human Genetics Tuebingen Variant Classification Criteria Version 2. Collection method: clinical testing. Allele origin: germline. Affected: yes. Observed: 2 variant alleles.
Comment: COL6A1: BP4, BP7

Illumina Laboratory Services, Illumina
Classification: Benign for Collagen VI-related myopathy. Last evaluated: 2018-01-12. Review status: criteria provided, single submitter. Criteria: ICSL Variant Classification Criteria 13 December 2019. Collection method: clinical testing. Allele origin: germline.
Comment: This variant was observed in the ICSL laboratory as part of a predisposition screen in an ostensibly healthy population. It had not been previously curated by ICSL or reported in the Human Gene Mutation Database (HGMD: prior to June 1st, 2018), and was therefore a candidate for classification through an automated scoring system. Utilizing variant allele frequency, disease prevalence and penetrance estimates, and inheritance mode, an automated score was calculated to assess if this variant is too frequent to cause the disease. Based on the score and internal cut-off values, a variant classified as benign is not then subjected to further curation. The score for this variant resulted in a classification of benign for this disease.

Eurofins Ntd Llc (ga)
Classification: Likely benign. Last evaluated: 2017-09-01. Review status: criteria provided, single submitter. Criteria: EGL Classification Definitions 2015. Collection method: clinical testing. Allele origin: germline. Observed: 3 variant alleles, 3 heterozygotes.